The following is an entry in ClinVar:

ClinVar aggregate classification (germline): Likely benign. Review status: criteria provided, single submitter (1 of 4 stars). 2 submissions from 2 submitters: Likely benign (1). 1 of the submissions does not count toward it. Last evaluated 2025-06-27.

Conditions:
PCCB-related disorder. Also called: PCCB-related condition.
Propionic acidemia (PROP). Also called: GLYCINEMIA, KETOTIC; HYPERGLYCINEMIA WITH KETOACIDOSIS AND LEUKOPENIA; KETOTIC HYPERGLYCINEMIA. Identifiers: Orphanet 35, MedGen C0268579, MONDO:0011628, OMIM 606054, HP:0003571.

Submissions (2):

Labcorp Genetics (formerly Invitae), Labcorp
Classification: Likely benign for Propionic acidemia. Last evaluated: 2025-06-27. Review status: criteria provided, single submitter. Criteria: Invitae Variant Classification Sherloc (09022015). Collection method: clinical testing. Allele origin: germline.

PreventionGenetics, part of Exact Sciences
Classification: Likely benign for PCCB-related condition. Last evaluated: 2022-05-26. Review status: no assertion criteria provided. Collection method: clinical testing. Allele origin: germline. Not counted in ClinVar's aggregate classification.
Comment: This variant is classified as likely benign based on ACMG/AMP sequence variant interpretation guidelines (Richards et al. 2015 PMID: 25741868, with internal and published modifications).

NM_000532.5(PCCB):c.1350T>C (p.Asp450=)

Gene: PCCB (propionyl-CoA carboxylase subunit beta; plus strand). Cytogenetic location: 3q22.3.
Variant type: single nucleotide variant.
Coding change: c.1350T>C on transcript NM_000532.5 (MANE Select); coding-DNA position 1350, T replaced by C.
Protein change: p.Asp450=; no amino-acid change (aspartic acid 450 retained).
Molecular consequence: synonymous variant.
Genome position (GRCh38, 1-based): chr3:136,327,684, T>C. VCF-style: chr3-136327684-T-C. GRCh37 (hg19) VCF-style: chr3-136046526-T-C.
Other names: c.1350T>C (NM_000532.4); c.1410T>C, p.Asp470= (NM_001178014.2).
Identifiers: ClinVar variation 1139702 (VCV001139702.11), dbSNP rs1935374974, ClinGen allele CA435841592.